The following is an entry in ClinVar:

ClinVar aggregate classification (germline): Conflicting classifications of pathogenicity. Review status: criteria provided, conflicting classifications (1 of 4 stars). 3 submissions from 3 submitters: Uncertain significance (2); Likely benign (1). Last evaluated 2025-10-25.

Conditions:
Hereditary cancer-predisposing syndrome. Also called: Hereditary neoplastic syndrome; Neoplastic Syndromes, Hereditary; Tumor predisposition; Hereditary Cancer Syndrome. Identifiers: Orphanet 140162, MedGen C0027672, MeSH D009386, MONDO:0015356.
Birt-Hogg-Dube syndrome. Also called: Birt Hogg Dubé syndrome. Identifiers: Orphanet 122, MedGen C0346010, MONDO:0800444.

Allele frequency attached by ClinVar (database versions not stated): gnomAD exomes 0.00001; ExAC 0.00002; ESP Exome Variant Server 0.00008.
gnomAD v4.1: 1 of 1,613,606 alleles (0.000062%); highest among the groups gnomAD compares: Non-Finnish European, 0.000085%; no homozygotes.

Submissions (3):

Labcorp Genetics (formerly Invitae), Labcorp
Classification: Uncertain significance for Birt-Hogg-Dube syndrome. Last evaluated: 2025-10-25. Review status: criteria provided, single submitter. Criteria: Invitae Variant Classification Sherloc (09022015). Collection method: clinical testing. Allele origin: germline.
Comment: This sequence change replaces proline, which is neutral and non-polar, with alanine, which is neutral and non-polar, at codon 428 of the FLCN protein (p.Pro428Ala). This variant is present in population databases (rs368880414, gnomAD 0.002%). This variant has not been reported in the literature in individuals affected with FLCN-related conditions. ClinVar contains an entry for this variant (Variation ID: 485600). Invitae Evidence Modeling of protein sequence and biophysical properties (such as structural, functional, and spatial information, amino acid conservation, physicochemical variation, residue mobility, and thermodynamic stability) indicates that this missense variant is not expected to disrupt FLCN protein function with a negative predictive value of 80%. In summary, the available evidence is currently insufficient to determine the role of this variant in disease. Therefore, it has been classified as a Variant of Uncertain Significance.

GeneDx
Classification: Uncertain significance. Last evaluated: 2023-10-24. Review status: criteria provided, single submitter. Criteria: GeneDx Variant Classification Process June 2021. Collection method: clinical testing. Allele origin: germline. Affected: yes.
Comment: Not observed at significant frequency in large population cohorts (gnomAD); In silico analysis supports that this missense variant does not alter protein structure/function; Has not been previously published as pathogenic or benign to our knowledge

Ambry Genetics
Classification: Likely benign for Hereditary cancer-predisposing syndrome. Last evaluated: 2016-10-15. Review status: criteria provided, single submitter. Criteria: Ambry Variant Classification Scheme 2023. Collection method: clinical testing. Allele origin: germline.

NM_144997.7(FLCN):c.1282C>G (p.Pro428Ala)

Gene: FLCN (folliculin; minus strand). Cytogenetic location: 17p11.2.
Variant type: single nucleotide variant.
Coding change: c.1282C>G on transcript NM_144997.7 (MANE Select); coding-DNA position 1282, C replaced by G.
Protein change: p.Pro428Ala; replaces proline 428 with alanine.
Molecular consequence: missense variant.
Genome position (GRCh38, 1-based): chr17:17,216,398, G>C on the plus strand (C>G on the coding strand, the complement: FLCN is on the minus strand). VCF-style: chr17-17216398-G-C. GRCh37 (hg19) VCF-style: chr17-17119712-G-C.
Other names: c.1282C>G (LRG_325t1); c.1336C>G, p.Pro446Ala (NM_001353229.2); c.1282C>G, p.Pro428Ala (NM_001353230.2, NM_001353231.2); short protein forms P428A, P446A.
Identifiers: ClinVar variation 485600 (VCV000485600.15), dbSNP rs368880414, ClinGen allele CA8416076.